The following is an entry in ClinVar:

ClinVar aggregate classification (germline): Uncertain significance. Review status: criteria provided, multiple submitters, no conflicts (2 of 4 stars). 3 submissions from 3 submitters: Uncertain significance (3). Last evaluated 2025-08-22.

Conditions:
Intellectual developmental disorder with poor growth and with or without seizures or ataxia. Identifiers: MedGen C5394135, MONDO:0032930, OMIM 618808.

gnomAD v4.1: 11 of 1,609,574 alleles (0.00068%); highest among the groups gnomAD compares: African/African-American, 0.0013%; no homozygotes.

Submissions (3):

Ambry Genetics
Classification: Uncertain significance. Last evaluated: 2025-08-22. Review status: criteria provided, single submitter. Criteria: Ambry Variant Classification Scheme 2023. Collection method: clinical testing. Allele origin: germline.

Institute of Immunology and Genetics Kaiserslautern
Classification: Uncertain significance for Intellectual developmental disorder with poor growth and with or without seizures or ataxia. Last evaluated: 2025-06-03. Review status: criteria provided, single submitter. Criteria: ACMG Guidelines, 2015. Collection method: clinical testing. Allele origin: germline. Affected: yes.
Comment: ACMG Criteria: PM2_P; Variant was found in heterozygous state.

Revvity Omics, Revvity
Classification: Uncertain significance for Intellectual developmental disorder with poor growth and with or without seizures or ataxia. Last evaluated: 2022-01-28. Review status: criteria provided, single submitter. Criteria: ACMG Guidelines, 2015. Collection method: clinical testing. Allele origin: germline.

NM_001606.5(ABCA2):c.4196C>A (p.Pro1399His)

Gene: ABCA2 (ATP binding cassette subfamily A member 2; minus strand). Cytogenetic location: 9q34.3.
Variant type: single nucleotide variant.
Coding change: c.4196C>A on transcript NM_001606.5 (MANE Select); coding-DNA position 4196, C replaced by A.
Protein change: p.Pro1399His; replaces proline 1399 with histidine.
Molecular consequence: missense variant.
Genome position (GRCh38, 1-based): chr9:137,014,212, G>T on the plus strand (C>A on the coding strand, the complement: ABCA2 is on the minus strand). VCF-style: chr9-137014212-G-T. GRCh37 (hg19) VCF-style: chr9-139908664-G-T.
Other names: c.4193C>A, p.Pro1398His (NM_001411042.1); c.4286C>A, p.Pro1429His (NM_212533.3); c.4286C>A (NM_212533.2); short protein forms P1398H, P1399H, P1429H.
Identifiers: ClinVar variation 2438721 (VCV002438721.5), dbSNP rs375992232, ClinGen allele CA375666332.
Genomic context (GRCh38, chr9:137,014,212, plus strand): 5'-ACCCTGCCACCCCCACCTTGCAGGCTGACATTGTCTGGGTCCTGTGGGTTATCAAAGAGG[G>T]GGCGGTAGTCGCCATAGACGTCGGTGTAGCCAGCTCCCTCGTCGCCACGGGCAGAGCCCA-3'
Protein context (NP_001597.2, residues 1389-1409): GYTDVYGDYR[Pro1399His]LFDNPQDPDN